The following is an entry in ClinVar:

ClinVar aggregate classification (germline): Conflicting classifications of pathogenicity. Review status: criteria provided, conflicting classifications (1 of 4 stars). 4 submissions from 4 submitters: Likely pathogenic (1); Uncertain significance (3). Last evaluated 2026-09-02.

Conditions:
Cardiovascular phenotype. Identifiers: MedGen CN230736.
Hypertrophic cardiomyopathy. Also called: HYPERTROPHIC MYOCARDIOPATHY. Identifiers: Orphanet 217569, MedGen C0007194, MeSH D002312, MONDO:0005045, HP:0001639.

Allele frequency attached by ClinVar (database versions not stated): gnomAD 0.00001; gnomAD exomes below 0.00001; TOPMed below 0.00001.
gnomAD v4.1: 3 of 1,613,870 alleles (0.00019%); highest among the groups gnomAD compares: African/African-American, 0.004%; no homozygotes.

Submissions (4):

Ambry Genetics
Classification: Uncertain significance for Cardiovascular phenotype. Last evaluated: 2026-09-02. Review status: criteria provided, single submitter. Criteria: Ambry Variant Classification Scheme 2023. Collection method: clinical testing. Allele origin: germline.
Comment: The c.11+1G>T intronic variant results from a G to T substitution one nucleotide after coding exon 1 of the TNNI3 gene. This nucleotide position is highly conserved in available vertebrate species. In silico splice site analysis predicts that this alteration will weaken the native splice donor site. Alterations that disrupt the canonical splice site are expected to cause aberrant splicing, resulting in an abnormal protein or a transcript that is subject to nonsense-mediated mRNA decay. Although biallelic loss of function of TNNI3 has been associated with autosomal recessive TNNI3-related DCM, haploinsufficiency of TNNI3 has not been established as a mechanism of disease for autosomal dominant TNNI3-related cardiomyopathy. Based on the supporting evidence, this variant is expected to be causative of autosomal recessive TNNI3-related DCM when present along with a second pathogenic variant on the other allele; however, its clinical significance for TNNI3-related cardiomyopathy is unclear.

GeneDx
Classification: Uncertain significance. Last evaluated: 2025-11-04. Review status: criteria provided, single submitter. Criteria: GeneDx Variant Classification Process June 2021. Collection method: clinical testing. Allele origin: germline. Affected: yes.
Comment: Canonical splice site variant in a gene or region of a gene for which loss of function is not a well-established mechanism of disease; Not observed at significant frequency in large population cohorts (gnomAD); Has not been previously published as pathogenic or benign to our knowledge

Labcorp Genetics (formerly Invitae), Labcorp
Classification: Likely pathogenic for Hypertrophic cardiomyopathy. Last evaluated: 2025-07-22. Review status: criteria provided, single submitter. Criteria: Invitae Variant Classification Sherloc (09022015). Collection method: clinical testing. Allele origin: germline.
Comment: This sequence change affects a donor splice site in intron 1 of the TNNI3 gene. It is expected to disrupt RNA splicing. Variants that disrupt the donor or acceptor splice site typically lead to a loss of protein function (PMID: 16199547), and loss-of-function variants in TNNI3 are known to be pathogenic (PMID: 31568572, 34036930, 35838873). This variant is not present in population databases (gnomAD no frequency). This variant has not been reported in the literature in individuals affected with TNNI3-related conditions. ClinVar contains an entry for this variant (Variation ID: 1020005). Algorithms developed to predict the effect of sequence changes on RNA splicing suggest that this variant may disrupt the consensus splice site. In summary, the currently available evidence indicates that the variant is pathogenic, but additional data are needed to prove that conclusively. Therefore, this variant has been classified as Likely Pathogenic.

All of Us Research Program, National Institutes of Health
Classification: Uncertain significance for Hypertrophic cardiomyopathy. Last evaluated: 2023-05-08. Review status: criteria provided, single submitter. Criteria: ACMG Guidelines, 2015. Collection method: clinical testing. Allele origin: germline. Inheritance: Autosomal dominant inheritance. Observed: 1 variant allele, 1 heterozygote.
Comment: This study involves interpretation of variants in research participants for the purpose of population health screening. Participant phenotype was not available at the time of variant classification. Additional details can be found in publication PMID: 35346344, PMCID: PMC8962531

Literature cited by the submitters: PubMed 16199547 (cited by Labcorp Genetics (formerly Invitae), Labcorp); PubMed 31568572 (cited by Labcorp Genetics (formerly Invitae), Labcorp); PubMed 34036930 (cited by Labcorp Genetics (formerly Invitae), Labcorp); PubMed 35838873 (cited by Labcorp Genetics (formerly Invitae), Labcorp).

NM_000363.5(TNNI3):c.11+1G>T

Gene: TNNI3 (troponin I3, cardiac type; minus strand). Cytogenetic location: 19q13.42.
Variant type: single nucleotide variant.
Coding change: c.11+1G>T on transcript NM_000363.5 (MANE Select); the canonical splice donor site of the intron after coding-DNA position 11, G replaced by T.
Molecular consequence: splice donor variant.
Genome position (GRCh38, 1-based): chr19:55,157,578, C>A on the plus strand (G>T on the coding strand, the complement: TNNI3 is on the minus strand). VCF-style: chr19-55157578-C-A. GRCh37 (hg19) VCF-style: chr19-55668946-C-A.
Other names: c.11+1G>T (NM_000363.4).
Identifiers: ClinVar variation 1020005 (VCV001020005.10), dbSNP rs2085744080, ClinGen allele CA407443495.